The following is an entry in ClinVar:

NM_001110556.2(FLNA):c.6952G>A (p.Asp2318Asn)

Gene: FLNA (filamin A; minus strand). Cytogenetic location: Xq28.
Variant type: single nucleotide variant.
Coding change: c.6952G>A on transcript NM_001110556.2 (MANE Select); coding-DNA position 6952, G replaced by A.
Protein change: p.Asp2318Asn; replaces aspartic acid 2318 with asparagine.
Molecular consequence: missense variant.
Genome position (GRCh38, 1-based): chrX:154,351,652, C>T on the plus strand (G>A on the coding strand, the complement: FLNA is on the minus strand). VCF-style: chrX-154351652-C-T. GRCh37 (hg19) VCF-style: chrX-153580020-C-T.
Other names: c.6928G>A (NM_001456.3); c.6928G>A, p.Asp2310Asn (NM_001456.4); short protein forms D2310N, D2318N.
Identifiers: ClinVar variation 1301870 (VCV001301870.10), dbSNP rs1557175822, ClinGen allele CA415185819.
Genomic context (GRCh38, chrX:154,351,652, plus strand): 5'-AAACAGTGAGGCGGCGGGCGTCGCCAGACGGAGAAGCCACAGGCACCACGAAGGGGCTGT[C>T]GGGAATGTGTTCCTCGTTGAACTTGACTGAGACTTCGTAGTCACCTGGGCAGGGAAAGAG-3'
Protein context (NP_001104026.1, residues 2308-2328): SVKFNEEHIP[Asp2318Asn]SPFVVPVASP

ClinVar aggregate classification (germline): Uncertain significance. Review status: criteria provided, multiple submitters, no conflicts (2 of 4 stars). 4 submissions from 4 submitters: Uncertain significance (4). Last evaluated 2025-01-15.

Conditions:
Melnick-Needles syndrome (MNS). Also called: MELNICK-NEEDLES OSTEODYSPLASTY; OSTEODYSPLASTY OF MELNICK AND NEEDLES; Melnick-Needles Syndrome (FLNA-MNS). Identifiers: Orphanet 2484, MedGen C0025237, MONDO:0010650, OMIM 309350.
Frontometaphyseal dysplasia (FMD1). Identifiers: MONDO:0015942, Orphanet 1826, MedGen C0265293.
Oto-palato-digital syndrome, type II (OPD2). Also called: Otopalatodigital Syndrome, Type II; FACIOPALATOOSSEOUS SYNDROME; OPD II SYNDROME; Otopalatodigital Syndrome Type 2 (FLNA-OPD2). Identifiers: Orphanet 669, Orphanet 90652, MedGen C1844696, MONDO:0010571, OMIM 304120.
Heterotopia, periventricular, X-linked dominant (PVNH1). Also called: X-linked periventricular heterotopia; PERIVENTRICULAR NODULAR HETEROTOPIA 4; HETEROTOPIA, PERIVENTRICULAR, 1; PERIVENTRICULAR NODULAR HETEROTOPIA 1. Identifiers: Orphanet 2149, Orphanet 82004, MedGen C1848213, MONDO:0010233, OMIM 300049.
FLNA-related disorder.

Submissions (4):

GeneDx
Classification: Uncertain significance. Last evaluated: 2025-01-15. Review status: criteria provided, single submitter. Criteria: GeneDx Variant Classification Process June 2021. Collection method: clinical testing. Allele origin: germline. Affected: yes.
Comment: In silico analysis supports that this missense variant has a deleterious effect on protein structure/function; Has not been previously published as pathogenic or benign to our knowledge

PreventionGenetics, part of Exact Sciences
Classification: Uncertain significance for FLNA-related condition. Last evaluated: 2023-03-22. Review status: criteria provided, single submitter. Criteria: ACMG Guidelines, 2015. Collection method: clinical testing. Allele origin: germline.
Comment: The FLNA c.6952G>A variant is predicted to result in the amino acid substitution p.Asp2318Asn. To our knowledge, this variant has not been reported in the literature or in a large population database, indicating this variant is rare. At this time, the clinical significance of this variant is uncertain due to the absence of conclusive functional and genetic evidence.

Labcorp Genetics (formerly Invitae), Labcorp
Classification: Uncertain significance for Oto-palato-digital syndrome, type II; Heterotopia, periventricular, X-linked dominant; Frontometaphyseal dysplasia; Melnick-Needles syndrome. Last evaluated: 2023-03-12. Review status: criteria provided, single submitter. Criteria: Invitae Variant Classification Sherloc (09022015). Collection method: clinical testing. Allele origin: germline.
Comment: In summary, the available evidence is currently insufficient to determine the role of this variant in disease. Therefore, it has been classified as a Variant of Uncertain Significance. Advanced modeling of protein sequence and biophysical properties (such as structural, functional, and spatial information, amino acid conservation, physicochemical variation, residue mobility, and thermodynamic stability) performed at Invitae indicates that this missense variant is not expected to disrupt FLNA protein function. ClinVar contains an entry for this variant (Variation ID: 1301870). This variant has not been reported in the literature in individuals affected with FLNA-related conditions. This variant is not present in population databases (gnomAD no frequency). This sequence change replaces aspartic acid, which is acidic and polar, with asparagine, which is neutral and polar, at codon 2310 of the FLNA protein (p.Asp2310Asn).

Rady Children's Institute for Genomic Medicine, Rady Children's Hospital San Diego
Classification: Uncertain significance for FLNA-RELATED DISORDERS. Review status: criteria provided, single submitter. Criteria: ACMG Guidelines, 2015. Collection method: clinical testing. Allele origin: germline. Affected: yes. Study: CSER-NYCKidSeq.
Comment: This variant has not been previously reported or functionally characterized in the literature to our knowledge. The FLNA gene is constrained against variation (missense Z-score=3.78, pLI=1, LOEUF=0.082), and missense variants are a common mechanism of disease (PMID: 30089473). The c.6952G>A (p.Asp2318Asn) variant affects a highly conserved amino acid; however, in silico tools used to predict the effect of this variant on protein function yield discordant results. It is absent from the gnomAD population database and thus is presumed to be rare. Based on the available evidence, the c.6952G>A (p.Asp2318Asn) variant is classified as Variant of Uncertain Significance.